The following is an entry in ClinVar:

NM_020778.5(ALPK3):c.845C>A (p.Pro282His)

Gene: ALPK3 (alpha kinase 3; plus strand). Cytogenetic location: 15q25.3.
Variant type: single nucleotide variant.
Coding change: c.845C>A on transcript NM_020778.5 (MANE Select); coding-DNA position 845, C replaced by A.
Protein change: p.Pro282His; replaces proline 282 with histidine.
Molecular consequence: missense variant.
Genome position (GRCh38, 1-based): chr15:84,840,124, C>A. VCF-style: chr15-84840124-C-A. GRCh37 (hg19) VCF-style: chr15-85383355-C-A.
Other names: short protein forms P282H.
Identifiers: ClinVar variation 1772959 (VCV001772959.7), dbSNP rs140328332, ClinGen allele CA7709083.
Genomic context (GRCh38, chr15:84,840,124, plus strand): 5'-GTTTGGGCCTGATCAACAGTTTTGCTTCTGGAGAAGTGACCACCAACGGGGAGGCTGCCC[C>A]CGAGAATGGAGAGGACGGAGAGCATGGCTTGCTGACATACATCTGTGACGCCATGGAGCT-3'
Protein context (NP_065829.4, residues 272-292): GEVTTNGEAA[Pro282His]ENGEDGEHGL

ClinVar aggregate classification (germline): Uncertain significance. Review status: criteria provided, multiple submitters, no conflicts (2 of 4 stars). 2 submissions from 2 submitters: Uncertain significance (2). Last evaluated 2024-08-27.

Conditions:
Cardiovascular phenotype. Identifiers: MedGen CN230736.

Allele frequency attached by ClinVar (database versions not stated): ExAC 0.00001; gnomAD exomes 0.00001; ESP Exome Variant Server 0.00008.
gnomAD v4.1: 11 of 1,614,080 alleles (0.00068%); highest among the groups gnomAD compares: Admixed American, 0.0033%; no homozygotes.

Submissions (2):

Labcorp Genetics (formerly Invitae), Labcorp
Classification: Uncertain significance. Last evaluated: 2024-08-27. Review status: criteria provided, single submitter. Criteria: Invitae Variant Classification Sherloc (09022015). Collection method: clinical testing. Allele origin: germline.
Comment: This sequence change replaces proline, which is neutral and non-polar, with histidine, which is basic and polar, at codon 484 of the ALPK3 protein (p.Pro484His). This variant is present in population databases (rs140328332, gnomAD 0.003%). This variant has not been reported in the literature in individuals affected with ALPK3-related conditions. ClinVar contains an entry for this variant (Variation ID: 1772959). Invitae Evidence Modeling of protein sequence and biophysical properties (such as structural, functional, and spatial information, amino acid conservation, physicochemical variation, residue mobility, and thermodynamic stability) indicates that this missense variant is expected to disrupt ALPK3 protein function with a positive predictive value of 80%. In summary, the available evidence is currently insufficient to determine the role of this variant in disease. Therefore, it has been classified as a Variant of Uncertain Significance.

Ambry Genetics
Classification: Uncertain significance for Cardiovascular phenotype. Last evaluated: 2022-01-19. Review status: criteria provided, single submitter. Criteria: Ambry Variant Classification Scheme 2023. Collection method: clinical testing. Allele origin: germline.
Comment: The p.P484H variant (also known as c.1451C>A), located in coding exon 5 of the ALPK3 gene, results from a C to A substitution at nucleotide position 1451. The proline at codon 484 is replaced by histidine, an amino acid with similar properties. This amino acid position is conserved. In addition, this alteration is predicted to be tolerated by in silico analysis. Since supporting evidence is limited at this time, the clinical significance of this alteration remains unclear.